The following is an entry in ClinVar:

ClinVar aggregate classification (germline): Conflicting classifications of pathogenicity. Review status: criteria provided, conflicting classifications (1 of 4 stars). 5 submissions from 5 submitters: Likely pathogenic (2); Uncertain significance (3). Last evaluated 2025-08-23.

Conditions:
Charlevoix-Saguenay spastic ataxia (SACS). Also called: SPASTIC ATAXIA 6, AUTOSOMAL RECESSIVE; AUTOSOMAL RECESSIVE SPASTIC ATAXIA OF CHARLEVOIX-SAGUENAY; Spastic ataxia of Charlevoix-Saguenay. Identifiers: Orphanet 98, MedGen C1849140, MONDO:0010041, OMIM 270550.
Spastic paraplegia. Identifiers: MedGen C0037772, HP:0001258.

Submissions (5):

Centre for Medical Genetics,  Mumbai
Classification: Likely pathogenic for Charlevoix-Saguenay spastic ataxia. Last evaluated: 2025-08-23. Review status: criteria provided, single submitter. Criteria: ACMG Guidelines, 2015. Collection method: clinical testing. Allele origin: germline. Affected: yes. Observed: 1 variant allele, 1 homozygote.

Women's Health and Genetics/Laboratory Corporation of America, LabCorp
Classification: Uncertain significance. Last evaluated: 2024-06-27. Review status: criteria provided, single submitter. Criteria: LabCorp Variant Classification Summary - May 2015. Collection method: clinical testing. Allele origin: germline.
Comment: Variant summary: SACS c.9346_9354dupAAGCTGCCT (p.Lys3116_Pro3118dup) results in an in-frame duplication that is predicted to duplicate three amino acids into the encoded protein. The variant was absent in 250610 control chromosomes. The available data on variant occurrences in the general population are insufficient to allow any conclusion about variant significance. c.9346_9354dupAAGCTGCCT has been reported in the literature in compound heterozygous twins affected with spastic paraplegia (e.g. Armour_2016). These data do not allow any conclusion about variant significance. To our knowledge, no experimental evidence demonstrating an impact on protein function has been reported. The following publication have been ascertained in the context of this evaluation (PMID: 27133561). ClinVar contains an entry for this variant (Variation ID: 1526070). Based on the evidence outlined above, the variant was classified as uncertain significance.

Neuberg Centre For Genomic Medicine, NCGM
Classification: Uncertain significance for Charlevoix-Saguenay spastic ataxia. Last evaluated: 2024-02-01. Review status: criteria provided, single submitter. Criteria: ACMG Guidelines, 2015. Collection method: clinical testing. Allele origin: germline. Inheritance: Autosomal recessive inheritance.
Comment: The observed inframe insertion variant sc.9346_9354dup(p.Lys3116_Pro3118dup) in SACS gene has been reported previously in in compound heterozygous state in an individual with spastic ataxia of Charlevoix-Saguenay (Armour CM, et al., 2016).

Labcorp Genetics (formerly Invitae), Labcorp
Classification: Uncertain significance for Spastic paraplegia. Last evaluated: 2022-04-12. Review status: criteria provided, single submitter. Criteria: Invitae Variant Classification Sherloc (09022015). Collection method: clinical testing. Allele origin: germline.
Comment: In summary, the available evidence is currently insufficient to determine the role of this variant in disease. Therefore, it has been classified as a Variant of Uncertain Significance. Experimental studies and prediction algorithms are not available or were not evaluated, and the functional significance of this variant is currently unknown. This variant has been observed in individual(s) with spastic paraplegia (PMID: 27133561). In at least one individual the data is consistent with being in trans (on the opposite chromosome) from a pathogenic variant. This variant is not present in population databases (gnomAD no frequency). This variant, c.9346_9354dup, results in the insertion of 3 amino acid(s) of the SACS protein (p.Lys3116_Pro3118dup), but otherwise preserves the integrity of the reading frame.

3billion
Classification: Likely pathogenic for Charlevoix-Saguenay spastic ataxia. Last evaluated: 2022-03-22. Review status: criteria provided, single submitter. Criteria: ACMG Guidelines, 2015. Collection method: clinical testing. Allele origin: germline. Affected: yes. Observed: 1 homozygote.
Comment: Inframe insertion located in a nonrepeat region: predicted to change the length of the protein and disrupt normal protein function. This variant has been reported as pathogenic (PMID:27133561). The variant has been reported to be in trans with a pathogenic variant as either compound heterozygous or homozygous in at least one similarly affected unrelated individual(PMID: 27133561). It is not observed in the gnomAD v2.1.1 dataset. Therefore, this variant is classified as likely pathogenic according to the recommendation of ACMG/AMP guideline.

Literature cited by the submitters: PubMed 27133561 (cited by 3 submitters).

NM_014363.6(SACS):c.9346_9354dup (p.Lys3116_Pro3118dup)

Gene: SACS (sacsin molecular chaperone; minus strand). Cytogenetic location: 13q12.12.
Variant type: Duplication.
Coding change: c.9346_9354dup on transcript NM_014363.6 (MANE Select); coding-DNA positions 9346 to 9354, 9 bases duplicated (AAGCTGCCT; older notation c.9346_9354dupAAGCTGCCT).
Protein change: p.Lys3116_Pro3118dup.
Molecular consequence: inframe insertion.
Genome position (GRCh38, 1-based): chr13:23,334,522-23,334,530, AGGCAGCTT duplicated on the plus strand (AAGCTGCCT on the coding strand, the reverse complement: SACS is on the minus strand). VCF-style (leftmost placement, unchanged base first): chr13-23334521-A-AAGGCAGCTT. GRCh37 (hg19) VCF-style: chr13-23908660-A-AAGGCAGCTT.
Other names: c.8905_8913dup, p.Lys2969_Pro2971dup (NM_001278055.2); c.9346_9354dupAAGCTGCCT (NM_014363.6).
Identifiers: ClinVar variation 1526070 (VCV001526070.9), dbSNP rs2137584629, ClinGen allele CA2573149146.
Genomic context (GRCh38, chr13:23,334,521, plus strand): 5'-AATAATCAACTAAAAGTTTTAAACTATGAAAAAGTTTTAGATTAGTCTGCTGCAGACGAC[A>AAGGCAGCTT]AGGCAGCTTCCCAATATGGCAATTAGTGTCAGGAGAGGAAAATGTCATTAAAAAAGATCT-3'